The following is an entry in ClinVar:

ClinVar aggregate classification (germline): Uncertain significance. Review status: criteria provided, multiple submitters, no conflicts (2 of 4 stars). 2 submissions from 2 submitters: Uncertain significance (2). Last evaluated 2025-06-12.

Conditions:
Intellectual developmental disorder with speech delay, autism, and dysmorphic facies. Identifiers: MedGen C5231456, MONDO:0032864, OMIM 618672.

Allele frequency attached by ClinVar (database versions not stated): gnomAD exomes 0.00001 and 0.00002; TOPMed 0.00002; ExAC 0.00001; gnomAD 0.00002 and 0.00003.
gnomAD v4.1: 29 of 1,614,042 alleles (0.0018%); highest among the groups gnomAD compares: East Asian, 0.0022%; no homozygotes.

Submissions (2):

Labcorp Genetics (formerly Invitae), Labcorp
Classification: Uncertain significance. Last evaluated: 2025-06-12. Review status: criteria provided, single submitter. Criteria: Invitae Variant Classification Sherloc (09022015). Collection method: clinical testing. Allele origin: germline.
Comment: This sequence change replaces glutamic acid, which is acidic and polar, with lysine, which is basic and polar, at codon 567 of the CNOT3 protein (p.Glu567Lys). This variant is present in population databases (rs745641513, gnomAD 0.002%). This variant has not been reported in the literature in individuals affected with CNOT3-related conditions. ClinVar contains an entry for this variant (Variation ID: 1683662). An algorithm developed to predict the effect of missense changes on protein structure and function (PolyPhen-2) suggests that this variant is likely to be tolerated. In summary, the available evidence is currently insufficient to determine the role of this variant in disease. Therefore, it has been classified as a Variant of Uncertain Significance.

Laboratorio de Genetica e Diagnostico Molecular, Hospital Israelita Albert Einstein
Classification: Uncertain significance for Intellectual developmental disorder with speech delay, autism, and dysmorphic facies. Last evaluated: 2021-11-16. Review status: criteria provided, single submitter. Criteria: ACMG Guidelines, 2015. Collection method: clinical testing. Allele origin: germline. Affected: yes.
Comment: ACMG classification criteria: PM2 moderate, BP4 supporting

NM_014516.4(CNOT3):c.1699G>A (p.Glu567Lys)

Gene: CNOT3 (CCR4-NOT transcription complex subunit 3; plus strand). Cytogenetic location: 19q13.42.
Variant type: single nucleotide variant.
Coding change: c.1699G>A on transcript NM_014516.4 (MANE Select); coding-DNA position 1699, G replaced by A.
Protein change: p.Glu567Lys; replaces glutamic acid 567 with lysine.
Molecular consequence: missense variant.
Genome position (GRCh38, 1-based): chr19:54,152,319, G>A. VCF-style: chr19-54152319-G-A. GRCh37 (hg19) VCF-style: chr19-54656056-G-A.
Other names: short protein forms E567K.
Identifiers: ClinVar variation 1683662 (VCV001683662.5), dbSNP rs745641513, ClinGen allele CA309340530.